The following is an entry in ClinVar:

ClinVar aggregate classification (germline): Uncertain significance. Review status: criteria provided, multiple submitters, no conflicts (2 of 4 stars). 2 submissions from 2 submitters: Uncertain significance (2). Last evaluated 2024-09-04.

Conditions:
Familial hypercholesterolemia. Also called: Familial hypercholesterolemias; Familial hypercholesterolaemia. Identifiers: MedGen C0020445, MONDO:0005439.
Hypercholesterolemia, autosomal dominant, 3 (FHCL3). Also called: Familial hypercholesterolemia 3; Familial Hypercholesterolemia, Autosomal Dominant, 3; PCSK9-Related Familial Hypercholesterolemia, Autosomal Dominant. Identifiers: MedGen C1863551, MONDO:0011369, OMIM 603776.

Allele frequency attached by ClinVar (database versions not stated): gnomAD exomes below 0.00001.

Submissions (2):

Color Diagnostics, LLC DBA Color Health
Classification: Uncertain significance for Familial hypercholesterolemia. Last evaluated: 2024-09-04. Review status: criteria provided, single submitter. Criteria: ACMG Guidelines, 2015. Collection method: clinical testing. Allele origin: germline.
Comment: This variant causes an in-frame deletion of three amino acids at exon 1 of the PCSK9 protein. To our knowledge, functional studies have not been reported for this variant. This variant has not been reported in individuals affected with PCSK9-related disorders in the literature. This variant has not been identified in the general population by the Genome Aggregation Database (gnomAD). The available evidence is insufficient to determine the role of this variant in disease conclusively. Therefore, this variant is classified as a Variant of Uncertain Significance.

Labcorp Genetics (formerly Invitae), Labcorp
Classification: Uncertain significance for Hypercholesterolemia, autosomal dominant, 3. Last evaluated: 2020-03-06. Review status: criteria provided, single submitter. Criteria: Invitae Variant Classification Sherloc (09022015). Collection method: clinical testing. Allele origin: germline.
Comment: This variant, c.42_50del, results in the deletion of 3 amino acid(s) of the PCSK9 protein (p.Leu21_Leu23del), but otherwise preserves the integrity of the reading frame. This variant is not present in population databases (ExAC no frequency). This variant has not been reported in the literature in individuals with PCSK9-related conditions. Experimental studies and prediction algorithms are not available or were not evaluated, and the functional significance of this variant is currently unknown. In summary, the available evidence is currently insufficient to determine the role of this variant in disease. Therefore, it has been classified as a Variant of Uncertain Significance.

NM_174936.4(PCSK9):c.42_50del (p.Leu21_Leu23del)

Gene: PCSK9 (proprotein convertase subtilisin/kexin type 9; plus strand). Cytogenetic location: 1p32.3.
Variant type: Deletion.
Coding change: c.42_50del on transcript NM_174936.4 (MANE Select); coding-DNA positions 42 to 50, 9 bases deleted (ACTGCTGCT; older notation c.42_50delACTGCTGCT).
Protein change: p.Leu21_Leu23del.
Molecular consequence: inframe deletion.
Genome position (GRCh38, 1-based): chr1:55,039,879-55,039,887, ACTGCTGCT deleted. VCF-style (leftmost placement, unchanged base first): chr1-55039878-CACTGCTGCT-C. GRCh37 (hg19) VCF-style: chr1-55505551-CACTGCTGCT-C.
Identifiers: ClinVar variation 922063 (VCV000922063.12), dbSNP rs1644584450, ClinGen allele CA913187506.